The following is an entry in ClinVar:

ClinVar aggregate classification (germline): Uncertain significance (1 of 4 stars; one submission).

Conditions:
Catecholaminergic polymorphic ventricular tachycardia 1. Also called: VENTRICULAR TACHYCARDIA, STRESS-INDUCED POLYMORPHIC 1; RYR2-Related Catecholaminergic Polymorphic Ventricular Tachycardia; VENTRICULAR TACHYCARDIA, CATECHOLAMINERGIC POLYMORPHIC, 1, WITH OR WITHOUT ATRIAL DYSFUNCTION AND/OR DILATED CARDIOMYOPATHY. Identifiers: Orphanet 3286, MedGen C1631597, MONDO:0011484, OMIM 604772.

Allele frequency attached by ClinVar (database versions not stated): gnomAD exomes below 0.00001.
gnomAD v4.1: 1 of 1,554,578 alleles (0.000064%); highest among the groups gnomAD compares: African/African-American, 0.0014%; no homozygotes.

Submission:

Labcorp Genetics (formerly Invitae), Labcorp
Classification: Uncertain significance for Catecholaminergic polymorphic ventricular tachycardia 1. Last evaluated: 2022-02-04. Review status: criteria provided, single submitter. Criteria: Invitae Variant Classification Sherloc (09022015). Collection method: clinical testing. Allele origin: germline.
Comment: In summary, the available evidence is currently insufficient to determine the role of this variant in disease. Therefore, it has been classified as a Variant of Uncertain Significance. Advanced modeling of protein sequence and biophysical properties (such as structural, functional, and spatial information, amino acid conservation, physicochemical variation, residue mobility, and thermodynamic stability) performed at Invitae indicates that this missense variant is expected to disrupt RYR2 protein function. ClinVar contains an entry for this variant (Variation ID: 956138). This variant has not been reported in the literature in individuals affected with RYR2-related conditions. This variant is not present in population databases (gnomAD no frequency). This sequence change replaces asparagine, which is neutral and polar, with serine, which is neutral and polar, at codon 3869 of the RYR2 protein (p.Asn3869Ser).

NM_001035.3(RYR2):c.11606A>G (p.Asn3869Ser)

Gene: RYR2 (ryanodine receptor 2; plus strand). Cytogenetic location: 1q43.
Variant type: single nucleotide variant.
Coding change: c.11606A>G on transcript NM_001035.3 (MANE Select); coding-DNA position 11606, A replaced by G.
Protein change: p.Asn3869Ser; replaces asparagine 3869 with serine.
Molecular consequence: missense variant.
Genome position (GRCh38, 1-based): chr1:237,772,060, A>G. VCF-style: chr1-237772060-A-G. GRCh37 (hg19) VCF-style: chr1-237935360-A-G.
Other names: short protein forms N3869S.
Identifiers: ClinVar variation 956138 (VCV000956138.11), dbSNP rs1246024470, ClinGen allele CA345407148.